The following is an entry in ClinVar:

NM_177939.3(P4HTM):c.696C>T (p.Ala232=)

Gene: P4HTM (prolyl 4-hydroxylase, transmembrane; plus strand). Cytogenetic location: 3p21.31.
Variant type: single nucleotide variant.
Coding change: c.696C>T on transcript NM_177939.3 (MANE Select); coding-DNA position 696, C replaced by T.
Protein change: p.Ala232=; no amino-acid change (alanine 232 retained).
Molecular consequence: synonymous variant.
Genome position (GRCh38, 1-based): chr3:49,002,568, C>T. VCF-style: chr3-49002568-C-T. GRCh37 (hg19) VCF-style: chr3-49040001-C-T.
Other names: c.696C>T, p.Ala232= (NM_177938.2).
Identifiers: ClinVar variation 2653810 (VCV002653810.25), dbSNP rs143357651, ClinGen allele CA2388324.

ClinVar aggregate classification (germline): Likely benign. Review status: criteria provided, multiple submitters, no conflicts (2 of 4 stars). 2 submissions from 2 submitters: Likely benign (2). Last evaluated 2024-11-19.

Allele frequency attached by ClinVar (database versions not stated): ExAC 0.00004; gnomAD 0.00005; TOPMed 0.00005; ESP Exome Variant Server 0.00008.
gnomAD v4.1: 59 of 1,613,800 alleles (0.0037%); highest among the groups gnomAD compares: Middle Eastern, 0.017%; no homozygotes.

Submissions (2):

Blueprint Genetics
Classification: Likely benign. Last evaluated: 2024-11-19. Review status: criteria provided, single submitter. Criteria: ACMG Guidelines, 2015. Collection method: clinical testing. Allele origin: germline.

CeGaT Center for Human Genetics Tuebingen
Classification: Likely benign. Last evaluated: 2023-04-01. Review status: criteria provided, single submitter. Criteria: CeGaT Center For Human Genetics Tuebingen Variant Classification Criteria Version 2. Collection method: clinical testing. Allele origin: germline. Affected: yes. Observed: 1 variant allele.
Comment: P4HTM: BP4, BP7